The following is an entry in ClinVar:

NM_001376.5(DYNC1H1):c.8200G>A (p.Val2734Met)

Gene: DYNC1H1 (dynein cytoplasmic 1 heavy chain 1; plus strand). Cytogenetic location: 14q32.31.
Variant type: single nucleotide variant.
Coding change: c.8200G>A on transcript NM_001376.5 (MANE Select); coding-DNA position 8200, G replaced by A.
Protein change: p.Val2734Met; replaces valine 2734 with methionine.
Molecular consequence: missense variant.
Genome position (GRCh38, 1-based): chr14:102,018,473, G>A. VCF-style: chr14-102018473-G-A. GRCh37 (hg19) VCF-style: chr14-102484810-G-A.
Other names: short protein forms V2734M.
Identifiers: ClinVar variation 539773 (VCV000539773.54), dbSNP rs376679623, ClinGen allele CA7352972.
Genomic context (GRCh38, chr14:102,018,473, plus strand): 5'-GTCAGGGAGGGGCGCTGAGCGGGGCTATCTGTGCACAGGTTCCTGCGCCACGTGCCTGTC[G>A]TGTATGTGGATTACCCGGGCCCCGCCTCCCTCACACAGATCTACGGCACCTTCAACCGCG-3'
Protein context (NP_001367.2, residues 2724-2744): SHRFLRHVPV[Val2734Met]YVDYPGPASL

ClinVar aggregate classification (germline): Conflicting classifications of pathogenicity. Review status: criteria provided, conflicting classifications (1 of 4 stars). 6 submissions from 5 submitters: Uncertain significance (3); Likely benign (3). Last evaluated 2025-10-21.

Conditions:
Asphyxiating thoracic dystrophy 3. Also called: Saldino-Noonan Syndrome; SHORT-RIB THORACIC DYSPLASIA 3 WITH OR WITHOUT POLYDACTYLY; POLYDACTYLY WITH NEONATAL CHONDRODYSTROPHY, TYPE I; SHORT-RIB THORACIC DYSPLASIA 3/6 WITH POLYDACTYLY, DIGENIC; Short rib polydactyly syndrome 2B. Identifiers: Orphanet 474, Orphanet 93269, Orphanet 93270, Orphanet 93271, MedGen C0036069, MONDO:0013127, OMIM 613091.
DYNC1H1-related disorder. Also called: DYNC1H1-related condition; DYNC1H1-related disorders. Identifiers: MedGen CN381529.
Charcot-Marie-Tooth disease axonal type 2O. Also called: Charcot-Marie-Tooth Neuropathy Type 2O; CHARCOT-MARIE-TOOTH NEUROPATHY, AXONAL, TYPE 2O; CHARCOT-MARIE-TOOTH DISEASE, AXONAL, AUTOSOMAL DOMINANT, TYPE 2O; Charcot-Marie-Tooth disease, axonal, type 20. Identifiers: Orphanet 284232, MedGen C3280220, MONDO:0013644, OMIM 614228.
Inborn genetic diseases. Identifiers: MedGen C0950123, MeSH D030342.
Rhizomelic chondrodysplasia punctata type 5 (RCDP5). Identifiers: Orphanet 468717, MedGen C4225237, MONDO:0014743, OMIM 616716.

Allele frequency attached by ClinVar (database versions not stated): ExAC 0.00006; gnomAD exomes 0.00006 and 0.00020; ESP Exome Variant Server 0.00008; TOPMed 0.00009; gnomAD 0.00011.
gnomAD v4.1: 314 of 1,613,638 alleles (0.019%); highest among the groups gnomAD compares: Non-Finnish European, 0.024%; no homozygotes.

Submissions (6):

PreventionGenetics, part of Exact Sciences
Classification: Likely benign for DYNC1H1-related condition. Last evaluated: 2025-10-21. Review status: criteria provided, single submitter. Criteria: ACMG Guidelines, 2015. Collection method: clinical testing. Allele origin: germline.
Comment: This variant is classified as likely benign based on ACMG/AMP sequence variant interpretation guidelines (Richards et al. 2015 PMID: 25741868, with internal and published modifications).

Labcorp Genetics (formerly Invitae), Labcorp
Classification: Likely benign for Charcot-Marie-Tooth disease axonal type 2O. Last evaluated: 2025-09-21. Review status: criteria provided, single submitter. Criteria: Invitae Variant Classification Sherloc (09022015). Collection method: clinical testing. Allele origin: germline.

Genomic Medicine Center of Excellence, King Faisal Specialist Hospital and Research Centre
Classification: Uncertain significance for Asphyxiating thoracic dystrophy 3. Last evaluated: 2025-09-10. Review status: criteria provided, single submitter. Criteria: ACMG Guidelines, 2015. Collection method: clinical testing. Allele origin: germline.

Genomic Medicine Center of Excellence, King Faisal Specialist Hospital and Research Centre
Classification: Uncertain significance for Rhizomelic chondrodysplasia punctata type 5. Last evaluated: 2024-12-17. Review status: criteria provided, single submitter. Criteria: ACMG Guidelines, 2015. Collection method: clinical testing. Allele origin: germline.

Ambry Genetics
Classification: Likely benign for Inborn genetic diseases. Last evaluated: 2024-03-13. Review status: criteria provided, single submitter. Criteria: Ambry Variant Classification Scheme 2023. Collection method: clinical testing. Allele origin: germline.

CeGaT Center for Human Genetics Tuebingen
Classification: Uncertain significance. Last evaluated: 2024-02-01. Review status: criteria provided, single submitter. Criteria: CeGaT Center For Human Genetics Tuebingen Variant Classification Criteria Version 2. Collection method: clinical testing. Allele origin: germline. Affected: yes. Observed: 4 variant alleles.
Comment: DYNC1H1: PP2

Literature cited by the submitters: PubMed 26100331 (cited by Ambry Genetics).